The following is an entry in ClinVar:

ClinVar aggregate classification (germline): Uncertain significance (1 of 4 stars; one submission).

Conditions:
Polycystic kidney disease, adult type (PKD1). Also called: POLYCYSTIC KIDNEY DISEASE, ADULT, TYPE I; Polycystic Kidney, Autosomal Dominant; Polycystic Kidney Disease 1, Autosomal Dominant; Polycystic kidney disease 1; Polycystic kidney disease 1, severe; POLYCYSTIC KIDNEY DISEASE 1 WITH OR WITHOUT POLYCYSTIC LIVER DISEASE. Identifiers: MedGen C3149841, MONDO:0008263, OMIM 173900.

Submission:

Juno Genomics, Hangzhou Juno Genomics, Inc
Classification: Uncertain significance for Polycystic kidney disease, adult type. Review status: criteria provided, single submitter. Criteria: ACMG Guidelines, 2015. Collection method: clinical testing. Allele origin: germline.
Comment: Absent from controls (or at extremely low frequency if recessive) in Genome Aggregation Database.;Multiple lines of computational evidence suggest no impact on gene or gene product.;Patient's phenotype or family history is highly specific for a disease with a single genetic etiology.

NM_001009944.3(PKD1):c.11759G>T (p.Arg3920Leu)

Gene: PKD1 (polycystin 1, transient receptor potential channel interacting; minus strand). Cytogenetic location: 16p13.3.
Variant type: single nucleotide variant.
Coding change: c.11759G>T on transcript NM_001009944.3 (MANE Select); coding-DNA position 11759, G replaced by T.
Protein change: p.Arg3920Leu; replaces arginine 3920 with leucine.
Molecular consequence: missense variant.
Genome position (GRCh38, 1-based): chr16:2,091,128, C>A on the plus strand (G>T on the coding strand, the complement: PKD1 is on the minus strand). VCF-style: chr16-2091128-C-A. GRCh37 (hg19) VCF-style: chr16-2141129-C-A.
Other names: c.11756G>T, p.Arg3919Leu (NM_000296.4); short protein forms R3920L, R3919L.
Identifiers: ClinVar variation 5005519 (VCV005005519.2).